The following is an entry in ClinVar:

NM_177402.5(SYT2):c.79G>A (p.Val27Met)

Gene: SYT2 (synaptotagmin 2; minus strand). Cytogenetic location: 1q32.1.
Variant type: single nucleotide variant.
Coding change: c.79G>A on transcript NM_177402.5 (MANE Select); coding-DNA position 79, G replaced by A.
Protein change: p.Val27Met; replaces valine 27 with methionine.
Molecular consequence: missense variant.
Genome position (GRCh38, 1-based): chr1:202,605,694, C>T on the plus strand (G>A on the coding strand, the complement: SYT2 is on the minus strand). VCF-style: chr1-202605694-C-T. GRCh37 (hg19) VCF-style: chr1-202574822-C-T.
Other names: c.79G>A, p.Val27Met (NM_001136504.1); short protein forms V27M.
Identifiers: ClinVar variation 2040706 (VCV002040706.6), dbSNP rs1337640409, ClinGen allele CA344259786.
Genomic context (GRCh38, chr1:202,605,694, plus strand): 5'-GTTTGGCAAACATGTCCTCCTGGCTCTCCCCAGCACCCCCACTCTCAGTGGAGTTGTCCA[C>T]GGGTCCAATGGGCATCGTGGCGGTGGTGGTGGCAGGAGCCACAATAGGCTCCTGGTTCCT-3'
Protein context (NP_796376.2, residues 17-37): TTTATMPIGP[Val27Met]DNSTESGGAG

ClinVar aggregate classification (germline): Uncertain significance. Review status: criteria provided, multiple submitters, no conflicts (2 of 4 stars). 2 submissions from 2 submitters: Uncertain significance (2). Last evaluated 2023-06-22.

Conditions:
Inborn genetic diseases. Identifiers: MedGen C0950123, MeSH D030342.

Allele frequency attached by ClinVar (database versions not stated): gnomAD 0.00001; gnomAD exomes 0.00002; TOPMed 0.00001.
gnomAD v4.1: 26 of 1,613,934 alleles (0.0016%); highest among the groups gnomAD compares: East Asian, 0.0022%; no homozygotes.

Submissions (2):

Ambry Genetics
Classification: Uncertain significance for Inborn genetic diseases. Last evaluated: 2023-06-22. Review status: criteria provided, single submitter. Criteria: Ambry Variant Classification Scheme 2023. Collection method: clinical testing. Allele origin: germline.

Labcorp Genetics (formerly Invitae), Labcorp
Classification: Uncertain significance. Last evaluated: 2022-06-24. Review status: criteria provided, single submitter. Criteria: Invitae Variant Classification Sherloc (09022015). Collection method: clinical testing. Allele origin: germline.
Comment: In summary, the available evidence is currently insufficient to determine the role of this variant in disease. Therefore, it has been classified as a Variant of Uncertain Significance. Algorithms developed to predict the effect of missense changes on protein structure and function (SIFT, PolyPhen-2, Align-GVGD) all suggest that this variant is likely to be tolerated. This variant has not been reported in the literature in individuals affected with SYT2-related conditions. This variant is present in population databases (no rsID available, gnomAD 0.003%). This sequence change replaces valine, which is neutral and non-polar, with methionine, which is neutral and non-polar, at codon 27 of the SYT2 protein (p.Val27Met).